The following is an entry in ClinVar:

NM_182961.4(SYNE1):c.4689+51G>C

Gene: SYNE1 (spectrin repeat containing nuclear envelope protein 1; minus strand). Cytogenetic location: 6q25.2.
Variant type: single nucleotide variant.
Coding change: c.4689+51G>C on transcript NM_182961.4 (MANE Select); 51 bases into the intron after coding-DNA position 4689, G replaced by C.
Molecular consequence: intron variant.
Genome position (GRCh38, 1-based): chr6:152,430,431, C>G on the plus strand (G>C on the coding strand, the complement: SYNE1 is on the minus strand). VCF-style: chr6-152430431-C-G. GRCh37 (hg19) VCF-style: chr6-152751566-C-G.
Other names: c.4710+51G>C (NM_033071.5).
Identifiers: ClinVar variation 675451 (VCV000675451.1), dbSNP rs80225287, ClinGen allele CA4058491.
Genomic context (GRCh38, chr6:152,430,431, plus strand): 5'-TTCACAAATTATGTCTTTCTCTTATTCCACTATTTGTAAAGTATTTATTGCACTTACCCA[C>G]AAATACAATGTGAAATATGTAAACTTAAGTATAGGTGGATCAATTCTTACCTTTCTAAGG-3'

ClinVar aggregate classification (germline): Benign (1 of 4 stars; one submission).

Allele frequency attached by ClinVar (database versions not stated): ESP Exome Variant Server 0.02883; 1000 Genomes Project 0.02895; 1000 Genomes Project 30x 0.02951; gnomAD 0.02587; TOPMed 0.02669.
gnomAD v4.1: 7,097 of 1,513,628 alleles (0.47%); highest among the groups gnomAD compares: African/African-American, 8.4%; 306 homozygotes.

Submission:

GeneDx
Classification: Benign. Last evaluated: 2018-06-19. Review status: criteria provided, single submitter. Criteria: GeneDx Variant Classification (06012015). Collection method: clinical testing. Allele origin: germline. Affected: yes.
Comment: This variant is considered likely benign or benign based on one or more of the following criteria: it is a conservative change, it occurs at a poorly conserved position in the protein, it is predicted to be benign by multiple in silico algorithms, and/or has population frequency not consistent with disease.